The following is an entry in ClinVar:

NM_001379610.1(SPINK1):c.-1C>A

Gene: SPINK1 (serine peptidase inhibitor Kazal type 1; minus strand). Cytogenetic location: 5q32.
Variant type: single nucleotide variant.
Coding change: c.-1C>A on transcript NM_001379610.1 (MANE Select); 1 bases upstream of the start codon, C replaced by A.
Molecular consequence: 5 prime UTR variant.
Genome position (GRCh38, 1-based): chr5:147,831,578, G>T on the plus strand (C>A on the coding strand, the complement: SPINK1 is on the minus strand). VCF-style: chr5-147831578-G-T. GRCh37 (hg19) VCF-style: chr5-147211141-G-T.
Other names: c.-1C>A (NM_001354966.2, NM_003122.5).
Identifiers: ClinVar variation 2577384 (VCV002577384.1), dbSNP rs2480208732, ClinGen allele CA2580614763.

ClinVar aggregate classification (germline): Uncertain significance (1 of 4 stars; one submission).

Submission:

Women's Health and Genetics/Laboratory Corporation of America, LabCorp
Classification: Uncertain significance. Last evaluated: 2023-07-21. Review status: criteria provided, single submitter. Criteria: LabCorp Variant Classification Summary - May 2015. Collection method: clinical testing. Allele origin: germline.
Comment: Variant summary: SPINK1 c.-1C>A is located in the untranslated mRNA region upstream of the initiation codon. The variant was absent in 250406 control chromosomes (gnomAD). The available data on variant occurrences in the general population are insufficient to allow any conclusion about variant significance. To our knowledge, no occurrence of c.-1C>A in individuals affected with Chronic Pancreatitis Risk and no experimental evidence demonstrating its impact on protein function have been reported. No submitters have cited clinical-significance assessments for this variant to ClinVar after 2014. Based on the evidence outlined above, the variant was classified as uncertain significance.